The following is an entry in ClinVar:

NM_001376.5(DYNC1H1):c.9642+5G>T

Gene: DYNC1H1 (dynein cytoplasmic 1 heavy chain 1; plus strand). Cytogenetic location: 14q32.31.
Variant type: single nucleotide variant.
Coding change: c.9642+5G>T on transcript NM_001376.5 (MANE Select); 5 bases into the intron after coding-DNA position 9642, G replaced by T.
Molecular consequence: intron variant.
Genome position (GRCh38, 1-based): chr14:102,029,717, G>T. VCF-style: chr14-102029717-G-T. GRCh37 (hg19) VCF-style: chr14-102496054-G-T.
Identifiers: ClinVar variation 2757956 (VCV002757956.3), dbSNP rs2503811285, ClinGen allele CA2697554201.

ClinVar aggregate classification (germline): Uncertain significance (1 of 4 stars; one submission).

Conditions:
Charcot-Marie-Tooth disease axonal type 2O. Also called: CHARCOT-MARIE-TOOTH NEUROPATHY, AXONAL, TYPE 2O; CHARCOT-MARIE-TOOTH DISEASE, AXONAL, AUTOSOMAL DOMINANT, TYPE 2O; Charcot-Marie-Tooth Neuropathy Type 2O; Charcot-Marie-Tooth disease, axonal, type 20. Identifiers: Orphanet 284232, MedGen C3280220, MONDO:0013644, OMIM 614228.

Submission:

Labcorp Genetics (formerly Invitae), Labcorp
Classification: Uncertain significance for Charcot-Marie-Tooth disease axonal type 2O. Last evaluated: 2023-12-22. Review status: criteria provided, single submitter. Criteria: Invitae Variant Classification Sherloc (09022015). Collection method: clinical testing. Allele origin: germline.
Comment: This sequence change falls in intron 49 of the DYNC1H1 gene. It does not directly change the encoded amino acid sequence of the DYNC1H1 protein. It affects a nucleotide within the consensus splice site. This variant is not present in population databases (gnomAD no frequency). This variant has not been reported in the literature in individuals affected with DYNC1H1-related conditions. Variants that disrupt the consensus splice site are a relatively common cause of aberrant splicing (PMID: 17576681, 9536098). Algorithms developed to predict the effect of sequence changes on RNA splicing suggest that this variant may disrupt the consensus splice site. In summary, the available evidence is currently insufficient to determine the role of this variant in disease. Therefore, it has been classified as a Variant of Uncertain Significance.

Literature cited by the submitters: PubMed 17576681; PubMed 9536098.